The following is an entry in ClinVar:

ClinVar aggregate classification (germline): Uncertain significance (1 of 4 stars; one submission).

Conditions:
Tuberous sclerosis 1 (TSC1). Identifiers: Orphanet 805, MedGen C1854465, MONDO:0008612, OMIM 191100.

Submission:

Labcorp Genetics (formerly Invitae), Labcorp
Classification: Uncertain significance for Tuberous sclerosis 1. Last evaluated: 2020-09-24. Review status: criteria provided, single submitter. Criteria: Invitae Variant Classification Sherloc (09022015). Collection method: clinical testing. Allele origin: germline.
Comment: In summary, the available evidence is currently insufficient to determine the role of this variant in disease. Therefore, it has been classified as a Variant of Uncertain Significance. Algorithms developed to predict the effect of missense changes on protein structure and function (SIFT, PolyPhen-2, Align-GVGD) all suggest that this variant is likely to be tolerated, but these predictions have not been confirmed by published functional studies and their clinical significance is uncertain. This variant has not been reported in the literature in individuals with TSC1-related conditions. This variant is not present in population databases (ExAC no frequency). This sequence change replaces cysteine with tyrosine at codon 1000 of the TSC1 protein (p.Cys1000Tyr). The cysteine residue is moderately conserved and there is a large physicochemical difference between cysteine and tyrosine.

NM_000368.5(TSC1):c.2999G>A (p.Cys1000Tyr)

Gene: TSC1 (TSC complex subunit 1; minus strand). Cytogenetic location: 9q34.13.
Variant type: single nucleotide variant.
Coding change: c.2999G>A on transcript NM_000368.5 (MANE Select); coding-DNA position 2999, G replaced by A.
Protein change: p.Cys1000Tyr; replaces cysteine 1000 with tyrosine.
Molecular consequence: missense variant.
Genome position (GRCh38, 1-based): chr9:132,896,731, C>T on the plus strand (G>A on the coding strand, the complement: TSC1 is on the minus strand). VCF-style: chr9-132896731-C-T. GRCh37 (hg19) VCF-style: chr9-135772118-C-T.
Other names: c.2996G>A, p.Cys999Tyr (NM_001162426.2); c.2846G>A, p.Cys949Tyr (NM_001162427.2); c.2636G>A, p.Cys879Tyr (NM_001362177.2); short protein forms C999Y, C949Y, C1000Y, C879Y.
Identifiers: ClinVar variation 1039498 (VCV001039498.8), dbSNP rs1845088618, ClinGen allele CA375367972.